The following is an entry in ClinVar:

NM_003072.5(SMARCA4):c.34C>T (p.Pro12Ser)

Gene: SMARCA4 (SWI/SNF related BAF chromatin remodeling complex subunit ATPase 4; plus strand). Cytogenetic location: 19p13.2.
Variant type: single nucleotide variant.
Coding change: c.34C>T on transcript NM_003072.5 (MANE Select); coding-DNA position 34, C replaced by T.
Protein change: p.Pro12Ser; replaces proline 12 with serine.
Molecular consequence: missense variant. On other transcripts: non-coding transcript variant (1).
Genome position (GRCh38, 1-based): chr19:10,984,185, C>T. VCF-style: chr19-10984185-C-T. GRCh37 (hg19) VCF-style: chr19-11094861-C-T.
Other names: c.34C>T, p.Pro12Ser (NM_001128844.3, NM_001128845.2, NM_001128846.2 and 6 more transcripts); short protein forms P12S.
Identifiers: ClinVar variation 1732050 (VCV001732050.2), dbSNP rs2145720953, ClinGen allele CA404053932.

ClinVar aggregate classification (germline): Uncertain significance (1 of 4 stars; one submission).

Conditions:
Hereditary cancer-predisposing syndrome. Also called: Neoplastic Syndromes, Hereditary; Tumor predisposition; Hereditary Cancer Syndrome; Hereditary neoplastic syndrome. Identifiers: Orphanet 140162, MedGen C0027672, MeSH D009386, MONDO:0015356.

Submission:

Ambry Genetics
Classification: Uncertain significance for Hereditary cancer-predisposing syndrome. Last evaluated: 2020-10-14. Review status: criteria provided, single submitter. Criteria: Ambry Variant Classification Scheme 2023. Collection method: clinical testing. Allele origin: germline.
Comment: The p.P12S variant (also known as c.34C>T), located in coding exon 1 of the SMARCA4 gene, results from a C to T substitution at nucleotide position 34. The proline at codon 12 is replaced by serine, an amino acid with similar properties. This amino acid position is highly conserved in available vertebrate species. In addition, the in silico prediction for this alteration is inconclusive. Since supporting evidence is limited at this time, the clinical significance of this alteration remains unclear.